The following is an entry in ClinVar:

ClinVar aggregate classification (germline): Likely pathogenic (1 of 4 stars; one submission).

Conditions:
Marfan syndrome (MFS). Also called: MARFAN SYNDROME, TYPE I; Marfan syndrome type 1; Marfan's syndrome; Marfan syndrome, classic; FBN1-Related Marfan Syndrome. Identifiers: Orphanet 284963, Orphanet 558, MedGen C0024796, MONDO:0007947, OMIM 154700.
Familial thoracic aortic aneurysm and aortic dissection (TAAD). Also called: Thoracic aortic aneurysms and dissections. Identifiers: Orphanet 91387, MedGen C4707243, MONDO:0019625.

Submission:

Labcorp Genetics (formerly Invitae), Labcorp
Classification: Likely pathogenic for Marfan syndrome; Familial thoracic aortic aneurysm and aortic dissection. Last evaluated: 2024-11-08. Review status: criteria provided, single submitter. Criteria: Invitae Variant Classification Sherloc (09022015). Collection method: clinical testing. Allele origin: germline.
Comment: This sequence change replaces threonine, which is neutral and polar, with proline, which is neutral and non-polar, at codon 1827 of the FBN1 protein (p.Thr1827Pro). This variant is not present in population databases (gnomAD no frequency). This missense change has been observed in individual(s) with Marfan syndrome (PMID: 19863550, 31730815). Invitae Evidence Modeling of protein sequence and biophysical properties (such as structural, functional, and spatial information, amino acid conservation, physicochemical variation, residue mobility, and thermodynamic stability) indicates that this missense variant is expected to disrupt FBN1 protein function with a positive predictive value of 95%. In summary, the currently available evidence indicates that the variant is pathogenic, but additional data are needed to prove that conclusively. Therefore, this variant has been classified as Likely Pathogenic.

Literature cited by the submitters: PubMed 19863550; PubMed 31730815.

NM_000138.5(FBN1):c.5479A>C (p.Thr1827Pro)

Gene: FBN1 (fibrillin 1; minus strand). Cytogenetic location: 15q21.1.
Variant type: single nucleotide variant.
Coding change: c.5479A>C on transcript NM_000138.5 (MANE Select); coding-DNA position 5479, A replaced by C.
Protein change: p.Thr1827Pro; replaces threonine 1827 with proline.
Molecular consequence: missense variant.
Genome position (GRCh38, 1-based): chr15:48,452,628, T>G on the plus strand (A>C on the coding strand, the complement: FBN1 is on the minus strand). VCF-style: chr15-48452628-T-G. GRCh37 (hg19) VCF-style: chr15-48744825-T-G.
Other names: c.5479A>C, p.Thr1827Pro (NM_001406716.1); short protein forms T1827P.
Identifiers: ClinVar variation 3759277 (VCV003759277.2).